The following is an entry in ClinVar:

NM_024700.4(SNIP1):c.194A>G (p.His65Arg)

Genes: SNIP1 (Smad nuclear interacting protein 1; minus strand), LOC129930156 (ATAC-STARR-seq lymphoblastoid silent region 673; plus strand). Cytogenetic location: 1p34.3.
Variant type: single nucleotide variant.
Coding change: c.194A>G on transcript NM_024700.4 (MANE Select); coding-DNA position 194, A replaced by G.
Protein change: p.His65Arg; replaces histidine 65 with arginine.
Molecular consequence: missense variant.
Genome position (GRCh38, 1-based): chr1:37,554,036, T>C on the plus strand (A>G on the coding strand, the complement: SNIP1 is on the minus strand). VCF-style: chr1-37554036-T-C. GRCh37 (hg19) VCF-style: chr1-38019637-T-C.
Other names: short protein forms H65R.
Identifiers: ClinVar variation 1357111 (VCV001357111.8), dbSNP rs2148118818, ClinGen allele CA339429756.
Genomic context (GRCh38, chr1:37,554,036, plus strand): 5'-ATGTCCATCCTGGACTGCTCCCCCACTTACCGGCTAACTCCTCGGGCTCGGTTCCCGCGG[T>C]GGCCCGAGCGGGCCGGCTCGCTGGTCGGCGGAGACGGGCTACCACCGGAGTGGTCCGGAC-3'
Protein context (NP_078976.2, residues 55-75): PPTSEPARSG[His65Arg]RGNRARGVSR

ClinVar aggregate classification (germline): Uncertain significance (1 of 4 stars; one submission).

Submission:

Labcorp Genetics (formerly Invitae), Labcorp
Classification: Uncertain significance. Last evaluated: 2025-12-01. Review status: criteria provided, single submitter. Criteria: Invitae Variant Classification Sherloc (09022015). Collection method: clinical testing. Allele origin: germline.
Comment: This sequence change replaces histidine, which is basic and polar, with arginine, which is basic and polar, at codon 65 of the SNIP1 protein (p.His65Arg). This variant is not present in population databases (gnomAD no frequency). This variant has not been reported in the literature in individuals affected with SNIP1-related conditions. ClinVar contains an entry for this variant (Variation ID: 1357111). An algorithm developed to predict the effect of missense changes on protein structure and function outputs the following: PolyPhen-2: "Benign". The arginine amino acid residue is found in multiple mammalian species, which suggests that this missense change does not adversely affect protein function. In summary, the available evidence is currently insufficient to determine the role of this variant in disease. Therefore, it has been classified as a Variant of Uncertain Significance.